The following is an entry in ClinVar:

NM_001323289.2(CDKL5):c.125A>G (p.Lys42Arg)

Gene: CDKL5 (cyclin dependent kinase like 5; plus strand). Cytogenetic location: Xp22.13.
Variant type: single nucleotide variant.
Coding change: c.125A>G on transcript NM_001323289.2 (MANE Select); coding-DNA position 125, A replaced by G.
Protein change: p.Lys42Arg; replaces lysine 42 with arginine.
Molecular consequence: missense variant.
Genome position (GRCh38, 1-based): chrX:18,564,502, A>G. VCF-style: chrX-18564502-A-G. GRCh37 (hg19) VCF-style: chrX-18582622-A-G.
Other names: NM_001323289.2(CDKL5):c.125A>G; p.Lys42Arg; c.125A>G, p.Lys42Arg (NM_001037343.2, NM_003159.3); short protein forms K42R.
Identifiers: ClinVar variation 143772 (VCV000143772.7), dbSNP rs267608429, ClinGen allele CA171606.
Genomic context (GRCh38, chrX:18,564,502, plus strand): 5'-AGAATGACTTTCCTTCTGCTTCTTTTCCCTTGCAGGAAACACATGAAATTGTGGCGATCA[A>G]GAAATTCAAGGACAGTGAAGGTAGATATATATATATATATATATATATCTGTATATATGT-3'
Protein context (NP_001310218.1, residues 32-52): HKETHEIVAI[Lys42Arg]KFKDSEENEE

ClinVar aggregate classification (germline): Pathogenic/Likely pathogenic. Review status: criteria provided, multiple submitters, no conflicts (2 of 4 stars). 3 submissions from 3 submitters: Pathogenic (1); Likely pathogenic (1). 1 of the submissions does not count toward it. Last evaluated 2024-07-11.

Conditions:
CDKL5 disorder. Identifiers: MedGen CN296942, MONDO:0100039.
Developmental and epileptic encephalopathy, 2 (DEE2). Also called: INFANTILE SPASM SYNDROME, X-LINKED 2; CDKL5 deficiency disorder. Identifiers: Orphanet 1934, Orphanet 3451, Orphanet 505652, MedGen C4750718, MONDO:0010396, OMIM 300672.

Submissions (3):

Centre for Population Genomics, CPG
Classification: Likely pathogenic for CDKL5 disorder. Last evaluated: 2024-07-11. Review status: criteria provided, single submitter. Criteria: McKnight et al. (Hum Mutat. 2022). Collection method: curation. Allele origin: germline. Inheritance: X-linked inheritance.
Comment: This variant has been collected from RettBASE and curated to current modified ACMG/AMP criteria. Based on the classification scheme defined by the ClinGen Rett/Angelman-like Expert Panel for Rett/AS-like Disorders Specifications to the ACMG/AMP Variant Interpretation Guidelines VCEP 3.0, this variant is classified as likely pathogenic. At least the following criteria are met: This variant is absent from gnomAD v4 (PM2_Supporting). Computational prediction analysis tools suggests a deleterious impact (REVEL score>= 0.75) (PP3). Occurs in the well-characterized ATP binding region of CDKL5 (PM1). Well-established in vitro or in vivo functional studies supportive of a damaging effect on the protein function (PS3). PMID: 29474534, PMID:20861382 , PMID:16935860

Genetic Services Laboratory, University of Chicago
Classification: Pathogenic for Epileptic encephalopathy, early infantile, 2. Last evaluated: 2013-02-08. Review status: criteria provided, single submitter. Criteria: ACMG Guidelines, 2007. Collection method: clinical testing. Allele origin: germline. Inheritance: X-linked inheritance. Affected: yes.

RettBASE
Classification: Pathogenic. Last evaluated: 2011-02-15. Review status: no assertion criteria provided. Collection method: research. Allele origin: unknown. Not counted in ClinVar's aggregate classification.